The following is an entry in ClinVar:

ClinVar aggregate classification (germline): Uncertain significance. Review status: criteria provided, multiple submitters, no conflicts (2 of 4 stars). 2 submissions from 2 submitters: Uncertain significance (2). Last evaluated 2026-06-14.

Conditions:
Inborn genetic diseases. Identifiers: MedGen C0950123, MeSH D030342.

Allele frequency attached by ClinVar (database versions not stated): gnomAD exomes below 0.00001.
gnomAD v4.1: 1 of 1,612,716 alleles (0.000062%); highest among the groups gnomAD compares: Middle Eastern, 0.016%; no homozygotes.

Submissions (2):

Ambry Genetics
Classification: Uncertain significance for Inborn genetic diseases. Last evaluated: 2026-06-14. Review status: criteria provided, single submitter. Criteria: Ambry Variant Classification Scheme 2023. Collection method: clinical testing. Allele origin: germline.
Comment: The p.R325L variant (also known as c.974G>T), located in coding exon 1 of the CEBPA gene, results from a G to T substitution at nucleotide position 974. The arginine at codon 325 is replaced by leucine, an amino acid with dissimilar properties. This amino acid position is conserved. In addition, the in silico prediction for this alteration is inconclusive. Based on the available evidence, the clinical significance of this variant remains unclear.

GeneDx
Classification: Uncertain significance. Last evaluated: 2023-04-28. Review status: criteria provided, single submitter. Criteria: GeneDx Variant Classification Process June 2021. Collection method: clinical testing. Allele origin: germline. Affected: yes.
Comment: Not observed at significant frequency in large population cohorts (gnomAD); In silico analysis supports that this missense variant has a deleterious effect on protein structure/function; Has not been previously published as pathogenic or benign to our knowledge; This variant is associated with the following publications: (PMID: 21455213)

NM_004364.5(CEBPA):c.974G>T (p.Arg325Leu)

Gene: CEBPA (CCAAT enhancer binding protein alpha; minus strand). Cytogenetic location: 19q13.11.
Variant type: single nucleotide variant.
Coding change: c.974G>T on transcript NM_004364.5 (MANE Select); coding-DNA position 974, G replaced by T.
Protein change: p.Arg325Leu; replaces arginine 325 with leucine.
Molecular consequence: missense variant.
Genome position (GRCh38, 1-based): chr19:33,301,441, C>A on the plus strand (G>T on the coding strand, the complement: CEBPA is on the minus strand). VCF-style: chr19-33301441-C-A. GRCh37 (hg19) VCF-style: chr19-33792347-C-A.
Other names: c.617G>T, p.Arg206Leu (NM_001285829.2); c.1079G>T, p.Arg360Leu (NM_001287424.2); c.932G>T, p.Arg311Leu (NM_001287435.2); short protein forms R206L, R311L, R325L, R360L.
Identifiers: ClinVar variation 2661951 (VCV002661951.2), dbSNP rs1280422347, ClinGen allele CA405273799.